The following is an entry in ClinVar:

ClinVar aggregate classification (germline): Uncertain significance (1 of 4 stars; one submission).

Conditions:
Hereditary cancer-predisposing syndrome. Also called: Neoplastic Syndromes, Hereditary; Tumor predisposition; Hereditary Cancer Syndrome; Hereditary neoplastic syndrome. Identifiers: Orphanet 140162, MedGen C0027672, MeSH D009386, MONDO:0015356.

Submission:

Ambry Genetics
Classification: Uncertain significance for Hereditary cancer-predisposing syndrome. Last evaluated: 2024-09-13. Review status: criteria provided, single submitter. Criteria: Ambry Variant Classification Scheme 2023. Collection method: clinical testing. Allele origin: germline.
Comment: The p.S1117T variant (also known as c.3349T>A), located in coding exon 27 of the POLE gene, results from a T to A substitution at nucleotide position 3349. The serine at codon 1117 is replaced by threonine, an amino acid with similar properties. This amino acid position is conserved. In addition, this alteration is predicted to be tolerated by in silico analysis. Based on the available evidence, the clinical significance of this variant remains unclear.

NM_006231.4(POLE):c.3349T>A (p.Ser1117Thr)

Gene: POLE (DNA polymerase epsilon, catalytic subunit; minus strand). Cytogenetic location: 12q24.33.
Variant type: single nucleotide variant.
Coding change: c.3349T>A on transcript NM_006231.4 (MANE Select); coding-DNA position 3349, T replaced by A.
Protein change: p.Ser1117Thr; replaces serine 1117 with threonine.
Molecular consequence: missense variant.
Genome position (GRCh38, 1-based): chr12:132,657,897, A>T on the plus strand (T>A on the coding strand, the complement: POLE is on the minus strand). VCF-style: chr12-132657897-A-T. GRCh37 (hg19) VCF-style: chr12-133234483-A-T.
Other names: short protein forms S1117T.
Identifiers: ClinVar variation 3422157 (VCV003422157.1).
Genomic context (GRCh38, chr12:132,657,897, plus strand): 5'-TTTAAGAGTAGAGAACGCAACTGGCACTCACTGCTCGAATATCAAAGTCTTGAAGGGAAG[A>T]GCTCTTGAGCCATTTCCGGAGAAAGTGCTTCCTCACCGTGGGCTCTGCTTGGAAAATGGC-3'
Protein context (NP_006222.2, residues 1107-1127): KHFLRKWLKS[Ser1117Thr]SLQDFDIRAI